The following is an entry in ClinVar:

ClinVar aggregate classification (germline): Uncertain significance (1 of 4 stars; one submission).

Allele frequency attached by ClinVar (database versions not stated): gnomAD exomes below 0.00001; ExAC 0.00001.

Submission:

Labcorp Genetics (formerly Invitae), Labcorp
Classification: Uncertain significance. Last evaluated: 2022-05-21. Review status: criteria provided, single submitter. Criteria: Invitae Variant Classification Sherloc (09022015). Collection method: clinical testing. Allele origin: germline.
Comment: In summary, the available evidence is currently insufficient to determine the role of this variant in disease. Therefore, it has been classified as a Variant of Uncertain Significance. This variant has not been reported in the literature in individuals affected with SOX11-related conditions. This variant is present in population databases (rs781471503, gnomAD 0.0009%). This sequence change affects codon 72 of the SOX11 mRNA. It is a 'silent' change, meaning that it does not change the encoded amino acid sequence of the SOX11 protein.

NM_003108.4(SOX11):c.216G>A (p.Pro72=)

Gene: SOX11 (SRY-box transcription factor 11; plus strand). Cytogenetic location: 2p25.2.
Variant type: single nucleotide variant.
Coding change: c.216G>A on transcript NM_003108.4 (MANE Select); coding-DNA position 216, G replaced by A.
Protein change: p.Pro72=; no amino-acid change (proline 72 retained).
Molecular consequence: synonymous variant.
Genome position (GRCh38, 1-based): chr2:5,692,937, G>A. VCF-style: chr2-5692937-G-A. GRCh37 (hg19) VCF-style: chr2-5833069-G-A.
Identifiers: ClinVar variation 1997362 (VCV001997362.4), dbSNP rs781471503, ClinGen allele CA1517811.